The following is an entry in ClinVar:

NM_001048174.2(MUTYH):c.358T>C (p.Tyr120His)

Gene: MUTYH (mutY DNA glycosylase; minus strand). Cytogenetic location: 1p34.1.
Variant type: single nucleotide variant.
Coding change: c.358T>C on transcript NM_001048174.2 (MANE Select); coding-DNA position 358, T replaced by C.
Protein change: p.Tyr120His; replaces tyrosine 120 with histidine.
Molecular consequence: missense variant. On other transcripts: non-coding transcript variant (1), intron variant (2).
Genome position (GRCh38, 1-based): chr1:45,333,117, A>G on the plus strand (T>C on the coding strand, the complement: MUTYH is on the minus strand). VCF-style: chr1-45333117-A-G. GRCh37 (hg19) VCF-style: chr1-45798789-A-G.
Other names: c.358T>C, p.Tyr120His (NM_001048171.2, NM_001048173.2, NM_001293195.2); c.361T>C, p.Tyr121His (NM_001048172.2); c.442T>C, p.Tyr148His (NM_001128425.2); c.403T>C, p.Tyr135His (NM_001293190.2); c.391T>C, p.Tyr131His (NM_001293191.2); c.82T>C, p.Tyr28His (NM_001293192.2, NM_001293196.2); c.433T>C, p.Tyr145His (NM_012222.3); c.34-158T>C (NM_001350651.2, NM_001350650.2); short protein forms Y135H, Y28H, Y120H, Y121H, Y131H, Y145H, Y148H.
Identifiers: ClinVar variation 846557 (VCV000846557.9), dbSNP rs1645266736, ClinGen allele CA340136108.

ClinVar aggregate classification (germline): Uncertain significance (1 of 4 stars; one submission).

Conditions:
Familial adenomatous polyposis 2. Also called: FAP type 2; MUTYH Polyposis; COLORECTAL ADENOMATOUS POLYPOSIS, AUTOSOMAL RECESSIVE; ADENOMAS, MULTIPLE COLORECTAL, AUTOSOMAL RECESSIVE; MUTYH-associated polyposis; MUTYH-related attenuated familial adenomatous polyposis. Identifiers: Orphanet 220460, Orphanet 247798, MedGen C3272841, MONDO:0012041, OMIM 608456.

Submission:

Labcorp Genetics (formerly Invitae), Labcorp
Classification: Uncertain significance for Familial adenomatous polyposis 2. Last evaluated: 2019-03-11. Review status: criteria provided, single submitter. Criteria: Invitae Variant Classification Sherloc (09022015). Collection method: clinical testing. Allele origin: germline.
Comment: In summary, the available evidence is currently insufficient to determine the role of this variant in disease. Therefore, it has been classified as a Variant of Uncertain Significance. Algorithms developed to predict the effect of missense changes on protein structure and function (SIFT, PolyPhen-2, Align-GVGD) all suggest that this variant is likely to be disruptive, but these predictions have not been confirmed by published functional studies and their clinical significance is uncertain. This variant has not been reported in the literature in individuals with MUTYH-related conditions. This variant is not present in population databases (ExAC no frequency). This sequence change replaces tyrosine with histidine at codon 148 of the MUTYH protein (p.Tyr148His). The tyrosine residue is highly conserved and there is a moderate physicochemical difference between tyrosine and histidine.